The following is an entry in ClinVar:

ClinVar aggregate classification (germline): Likely benign (1 of 4 stars; one submission).

Conditions:
Leigh syndrome (NULS). Also called: Leigh's necrotizing encephalopathy; Leigh's disease; Leigh's syndrome; LEIGH SYNDROME, NUCLEAR; Leigh Syndrome (mtDNA deletion); Leigh Disease. Identifiers: Orphanet 506, MedGen C2931891, MONDO:0009723, OMIM 256000.

Submission:

Wong Mito Lab, Molecular and Human Genetics, Baylor College of Medicine
Classification: Likely benign for Leigh syndrome. Last evaluated: 2019-10-17. Review status: criteria provided, single submitter. Criteria: Modified ACMG Guidelines (Unpublished). Collection method: clinical testing. Allele origin: germline.
Comment: The NC_012920.1:m.15213T>C (YP_003024038.1:p.Ile156Thr) variant in MTCYB gene is interpretated to be a Likely Benign variant based on the modified ACMG guidelines (unpublished). This variant meets the following evidence codes: BS1, BP6

NC_012920.1(MT-CYB):m.15213T>C

Gene: MT-CYB (mitochondrially encoded cytochrome b; plus strand).
Variant type: single nucleotide variant.
Genome position: chrM-15213-T-C.
Identifiers: ClinVar variation 693842 (VCV000693842.1), dbSNP rs1603225151, ClinGen allele CA913173258.